The following is an entry in ClinVar:

NM_005199.5(CHRNG):c.805+2T>C

Gene: CHRNG (cholinergic receptor nicotinic gamma subunit; plus strand). Cytogenetic location: 2q37.1.
Variant type: single nucleotide variant.
Coding change: c.805+2T>C on transcript NM_005199.5 (MANE Select); the canonical splice donor site of the intron after coding-DNA position 805, T replaced by C.
Molecular consequence: splice donor variant.
Genome position (GRCh38, 1-based): chr2:232,543,084, T>C. VCF-style: chr2-232543084-T-C. GRCh37 (hg19) VCF-style: chr2-233407794-T-C.
Identifiers: ClinVar variation 2896764 (VCV002896764.3), dbSNP rs1418539550, ClinGen allele CA351012501.

ClinVar aggregate classification (germline): Likely pathogenic (1 of 4 stars; one submission).

Allele frequency attached by ClinVar (database versions not stated): gnomAD exomes 0.00001.
gnomAD v4.1: 16 of 1,613,842 alleles (0.00099%); highest among the groups gnomAD compares: Non-Finnish European, 0.0014%; no homozygotes.

Submission:

Labcorp Genetics (formerly Invitae), Labcorp
Classification: Likely pathogenic. Last evaluated: 2023-05-22. Review status: criteria provided, single submitter. Criteria: Invitae Variant Classification Sherloc (09022015). Collection method: clinical testing. Allele origin: germline.
Comment: Algorithms developed to predict the effect of sequence changes on RNA splicing suggest that this variant may disrupt the consensus splice site. In summary, the currently available evidence indicates that the variant is pathogenic, but additional data are needed to prove that conclusively. Therefore, this variant has been classified as Likely Pathogenic. This sequence change affects a donor splice site in intron 7 of the CHRNG gene. It is expected to disrupt RNA splicing. Variants that disrupt the donor or acceptor splice site typically lead to a loss of protein function (PMID: 16199547), and loss-of-function variants in CHRNG are known to be pathogenic (PMID: 16826520). This variant is present in population databases (no rsID available, gnomAD 0.0009%). This variant has not been reported in the literature in individuals affected with CHRNG-related conditions.

Literature cited by the submitters: PubMed 16199547; PubMed 16826520.